The following is an entry in ClinVar:

NM_017799.4(TMEM260):c.1764A>G (p.Glu588=)

Gene: TMEM260 (transmembrane protein 260; plus strand). Cytogenetic location: 14q22.3.
Variant type: single nucleotide variant.
Coding change: c.1764A>G on transcript NM_017799.4 (MANE Select); coding-DNA position 1764, A replaced by G.
Protein change: p.Glu588=; no amino-acid change (glutamic acid 588 retained).
Molecular consequence: synonymous variant.
Genome position (GRCh38, 1-based): chr14:56,634,938, A>G. VCF-style: chr14-56634938-A-G. GRCh37 (hg19) VCF-style: chr14-57101656-A-G.
Identifiers: ClinVar variation 3042688 (VCV003042688.2), dbSNP rs549065506, ClinGen allele CA7200206.

ClinVar aggregate classification (germline): Likely benign (0 of 4 stars; one submission).

Conditions:
TMEM260-related disorder. Also called: TMEM260-related condition.

Allele frequency attached by ClinVar (database versions not stated): gnomAD 0.00003; gnomAD exomes 0.00005; ExAC 0.00008; 1000 Genomes Project 30x 0.00016; 1000 Genomes Project 0.00020.
gnomAD v4.1: 79 of 1,614,096 alleles (0.0049%); highest among the groups gnomAD compares: South Asian, 0.085%; 1 homozygote.

Submission:

PreventionGenetics, part of Exact Sciences
Classification: Likely benign for TMEM260-related condition. Last evaluated: 2019-06-28. Review status: no assertion criteria provided. Collection method: clinical testing. Allele origin: germline.
Comment: This variant is classified as likely benign based on ACMG/AMP sequence variant interpretation guidelines (Richards et al. 2015 PMID: 25741868, with internal and published modifications).